The following is an entry in ClinVar:

NM_172107.4(KCNQ2):c.1099G>C (p.Val367Leu)

Gene: KCNQ2 (potassium voltage-gated channel subfamily Q member 2; minus strand). Cytogenetic location: 20q13.33.
Variant type: single nucleotide variant.
Coding change: c.1099G>C on transcript NM_172107.4 (MANE Select); coding-DNA position 1099, G replaced by C.
Protein change: p.Val367Leu; replaces valine 367 with leucine.
Molecular consequence: missense variant.
Genome position (GRCh38, 1-based): chr20:63,433,828, C>G on the plus strand (G>C on the coding strand, the complement: KCNQ2 is on the minus strand). VCF-style: chr20-63433828-C-G. GRCh37 (hg19) VCF-style: chr20-62065181-C-G.
Other names: c.1099G>C, p.Val367Leu (NM_001382235.1, NM_004518.6, NM_172106.3 and 2 more transcripts); short protein forms V367L.
Identifiers: ClinVar variation 2446488 (VCV002446488.1), dbSNP rs149523683, ClinGen allele CA409651076.

ClinVar aggregate classification (germline): Uncertain significance (1 of 4 stars; one submission).

Submission:

GeneDx
Classification: Uncertain significance. Last evaluated: 2022-10-03. Review status: criteria provided, single submitter. Criteria: GeneDx Variant Classification Process June 2021. Collection method: clinical testing. Allele origin: germline. Affected: yes.
Comment: Not observed at significant frequency in large population cohorts (gnomAD); Missense variants in this gene are often considered pathogenic (HGMD); In silico analysis supports that this missense variant does not alter protein structure/function; Has not been previously published as pathogenic or benign to our knowledge; This variant is associated with the following publications: (PMID: 27602407)